The following is an entry in ClinVar:

NM_004798.4(KIF3B):c.819C>T (p.Ser273=)

Gene: KIF3B (kinesin family member 3B; plus strand). Cytogenetic location: 20q11.21.
Variant type: single nucleotide variant.
Coding change: c.819C>T on transcript NM_004798.4 (MANE Select); coding-DNA position 819, C replaced by T.
Protein change: p.Ser273=; no amino-acid change (serine 273 retained).
Molecular consequence: synonymous variant.
Genome position (GRCh38, 1-based): chr20:32,310,596, C>T. VCF-style: chr20-32310596-C-T. GRCh37 (hg19) VCF-style: chr20-30898399-C-T.
Identifiers: ClinVar variation 4872480 (VCV004872480.2).
Genomic context (GRCh38, chr20:32,310,596, plus strand): 5'-CAAGACCGGCGCACAAGGGGAGAGATTAAAAGAAGCTACCAAGATCAACCTCTCCCTTTC[C>T]GCTTTGGGTAATGTCATCTCTGCTCTAGTGGACGGCAAAAGCACTCACATTCCATATCGG-3'
Protein context (NP_004789.1, residues 263-283): KEATKINLSL[Ser273=]ALGNVISALV

ClinVar aggregate classification (germline): Likely benign (1 of 4 stars; one submission).

gnomAD v4.1: 555 of 1,614,088 alleles (0.034%); highest among the groups gnomAD compares: African/African-American, 0.49%; 4 homozygotes.

Submission:

CeGaT Center for Human Genetics Tuebingen
Classification: Likely benign. Last evaluated: 2026-06-01. Review status: criteria provided, single submitter. Criteria: CeGaT Center For Human Genetics Tuebingen Variant Classification Criteria Version 2. Collection method: clinical testing. Allele origin: germline. Affected: yes. Observed: 1 variant allele.
Comment: KIF3B: BP4, BP7